The following is an entry in ClinVar:

NM_000264.5(PTCH1):c.1603-5C>A

Gene: PTCH1 (patched 1; minus strand). Cytogenetic location: 9q22.32.
Variant type: single nucleotide variant.
Coding change: c.1603-5C>A on transcript NM_000264.5 (MANE Select); 5 bases into the intron before coding-DNA position 1603, C replaced by A.
Molecular consequence: intron variant.
Genome position (GRCh38, 1-based): chr9:95,476,164, G>T on the plus strand (C>A on the coding strand, the complement: PTCH1 is on the minus strand). VCF-style: chr9-95476164-G-T. GRCh37 (hg19) VCF-style: chr9-98238446-G-T.
Other names: c.1600-5C>A (NM_001083603.3); c.1405-5C>A (NM_001083602.3); c.1447-5C>A (NM_001354918.2); c.1150-5C>A (NM_001083605.3, NM_001083604.3, NM_001083606.3 and 1 more transcripts).
Identifiers: ClinVar variation 3784596 (VCV003784596.1).

ClinVar aggregate classification (germline): Uncertain significance (1 of 4 stars; one submission).

Conditions:
Hereditary cancer-predisposing syndrome. Also called: Neoplastic Syndromes, Hereditary; Hereditary Cancer Syndrome; Tumor predisposition; Hereditary neoplastic syndrome. Identifiers: Orphanet 140162, MedGen C0027672, MeSH D009386, MONDO:0015356.

Submission:

Ambry Genetics
Classification: Uncertain significance for Hereditary cancer-predisposing syndrome. Last evaluated: 2024-12-22. Review status: criteria provided, single submitter. Criteria: Ambry Variant Classification Scheme 2023. Collection method: clinical testing. Allele origin: germline.
Comment: The c.1603-5C>A intronic variant results from a C to A substitution 5 nucleotides upstream from coding exon 12 in the PTCH1 gene. This nucleotide position is well conserved in available vertebrate species. In silico splice site analysis predicts that this alteration will not have any significant effect on splicing. Based on the available evidence, the clinical significance of this variant remains unclear.